The following is an entry in ClinVar:

ClinVar aggregate classification (germline): Likely benign. Review status: criteria provided, multiple submitters, no conflicts (2 of 4 stars). 2 submissions from 2 submitters: Likely benign (2). Last evaluated 2026-01-19.

Conditions:
Marfan syndrome (MFS). Also called: MARFAN SYNDROME, TYPE I; Marfan syndrome type 1; Marfan's syndrome; FBN1-Related Marfan Syndrome; Marfan syndrome, classic. Identifiers: Orphanet 284963, Orphanet 558, MedGen C0024796, MONDO:0007947, OMIM 154700.

Submissions (2):

Women's Health and Genetics/Laboratory Corporation of America, LabCorp
Classification: Likely benign. Last evaluated: 2026-01-19. Review status: criteria provided, single submitter. Criteria: LabCorp Variant Classification Summary - May 2015. Collection method: clinical testing. Allele origin: germline.

All of Us Research Program, National Institutes of Health
Classification: Likely benign for Marfan syndrome. Last evaluated: 2024-03-24. Review status: criteria provided, single submitter. Criteria: ACMG Guidelines, 2015. Collection method: clinical testing. Allele origin: germline. Inheritance: Autosomal dominant inheritance. Observed: 1 variant allele, 1 heterozygote.
Comment: This study involves interpretation of variants in research participants for the purpose of population health screening. Participant phenotype was not available at the time of variant classification. Additional details can be found in publication PMID: 35346344, PMCID: PMC8962531

NM_000138.5(FBN1):c.248-12G>A

Gene: FBN1 (fibrillin 1; minus strand). Cytogenetic location: 15q21.1.
Variant type: single nucleotide variant.
Coding change: c.248-12G>A on transcript NM_000138.5 (MANE Select); 12 bases into the intron before coding-DNA position 248, G replaced by A.
Molecular consequence: intron variant.
Genome position (GRCh38, 1-based): chr15:48,610,838, C>T on the plus strand (G>A on the coding strand, the complement: FBN1 is on the minus strand). VCF-style: chr15-48610838-C-T. GRCh37 (hg19) VCF-style: chr15-48903035-C-T.
Other names: c.248-12G>A (NM_001406716.1, NM_001406717.1).
Identifiers: ClinVar variation 3386868 (VCV003386868.2).